The following is an entry in ClinVar:

ClinVar aggregate classification (germline): Conflicting classifications of pathogenicity. Review status: criteria provided, conflicting classifications (1 of 4 stars). 3 submissions from 3 submitters: Uncertain significance (2); Benign (1). Last evaluated 2024-01-30.

Conditions:
Ovarian cancer. Also called: OVARIAN CANCER, SOMATIC. Identifiers: Orphanet 213500, MedGen C1140680, MONDO:0008170, OMIM 167000.
Multiple congenital exostosis (EXT). Also called: Multiple exostoses; MULTIPLE CARTILAGINOUS EXOSTOSES; Hereditary multiple exostoses; Hereditary multiple exostosis; Hereditary multiple osteochondromas; Multiple osteochondromas. Identifiers: Orphanet 321, MedGen C0015306, MONDO:0005508, HP:0002762.
Chondrosarcoma. Also called: Chondrosarcoma, somatic. Identifiers: Orphanet 55880, MedGen C0008479, MONDO:0008977, OMIM 215300, HP:0006765.

Allele frequency attached by ClinVar (database versions not stated): gnomAD exomes 0.00001; TOPMed 0.00001.
gnomAD v4.1: 7 of 1,613,976 alleles (0.00043%); highest among the groups gnomAD compares: East Asian, 0.0045%; no homozygotes.

Submissions (3):

Baylor Genetics
Classification: Uncertain significance for Chondrosarcoma. Last evaluated: 2024-01-30. Review status: criteria provided, single submitter. Criteria: ACMG Guidelines, 2015. Collection method: clinical testing. Allele origin: unknown.

Labcorp Genetics (formerly Invitae), Labcorp
Classification: Uncertain significance for Multiple congenital exostosis. Last evaluated: 2023-11-14. Review status: criteria provided, single submitter. Criteria: Invitae Variant Classification Sherloc (09022015). Collection method: clinical testing. Allele origin: germline.
Comment: This sequence change replaces aspartic acid, which is acidic and polar, with valine, which is neutral and non-polar, at codon 399 of the EXT1 protein (p.Asp399Val). This variant is present in population databases (no rsID available, gnomAD 0.006%). This variant has not been reported in the literature in individuals affected with EXT1-related conditions. ClinVar contains an entry for this variant (Variation ID: 2445286). Advanced modeling of protein sequence and biophysical properties (such as structural, functional, and spatial information, amino acid conservation, physicochemical variation, residue mobility, and thermodynamic stability) performed at Invitae indicates that this missense variant is not expected to disrupt EXT1 protein function with a negative predictive value of 80%. In summary, the available evidence is currently insufficient to determine the role of this variant in disease. Therefore, it has been classified as a Variant of Uncertain Significance.

Laboratory of Molecular Epidemiology of Birth Defects, West China Second University Hospital, Sichuan University
Classification: Benign for Ovarian cancer. Last evaluated: 2022-01-01. Review status: criteria provided, single submitter. Criteria: ACMG Guidelines, 2015. Collection method: clinical testing. Allele origin: germline. Affected: yes.

NM_000127.3(EXT1):c.1196A>T (p.Asp399Val)

Gene: EXT1 (exostosin glycosyltransferase 1; minus strand). Cytogenetic location: 8q24.11.
Variant type: single nucleotide variant.
Coding change: c.1196A>T on transcript NM_000127.3 (MANE Select); coding-DNA position 1196, A replaced by T.
Protein change: p.Asp399Val; replaces aspartic acid 399 with valine.
Molecular consequence: missense variant.
Genome position (GRCh38, 1-based): chr8:117,830,318, T>A on the plus strand (A>T on the coding strand, the complement: EXT1 is on the minus strand). VCF-style: chr8-117830318-T-A. GRCh37 (hg19) VCF-style: chr8-118842557-T-A.
Other names: short protein forms D399V.
Identifiers: ClinVar variation 2445286 (VCV002445286.7), dbSNP rs1275929525, ClinGen allele CA371890568.